The following is an entry in ClinVar:

ClinVar aggregate classification (germline): Uncertain significance (1 of 4 stars; one submission).

Allele frequency attached by ClinVar (database versions not stated): ExAC 0.00001; gnomAD 0.00005; gnomAD exomes 0.00005; TOPMed 0.00005.
gnomAD v4.1: 72 of 1,614,072 alleles (0.0045%); highest among the groups gnomAD compares: Non-Finnish European, 0.0058%; no homozygotes.

Submission:

Labcorp Genetics (formerly Invitae), Labcorp
Classification: Uncertain significance. Last evaluated: 2022-07-05. Review status: criteria provided, single submitter. Criteria: Invitae Variant Classification Sherloc (09022015). Collection method: clinical testing. Allele origin: germline.
Comment: In summary, the available evidence is currently insufficient to determine the role of this variant in disease. Therefore, it has been classified as a Variant of Uncertain Significance. Algorithms developed to predict the effect of missense changes on protein structure and function are either unavailable or do not agree on the potential impact of this missense change (SIFT: "Deleterious"; PolyPhen-2: "Benign"; Align-GVGD: "Class C0"). This variant has not been reported in the literature in individuals affected with DDR2-related conditions. This variant is present in population databases (rs761991484, gnomAD 0.003%). This sequence change replaces serine, which is neutral and polar, with phenylalanine, which is neutral and non-polar, at codon 319 of the DDR2 protein (p.Ser319Phe).

NM_006182.4(DDR2):c.956C>T (p.Ser319Phe)

Gene: DDR2 (discoidin domain receptor tyrosine kinase 2; plus strand). Cytogenetic location: 1q23.3.
Variant type: single nucleotide variant.
Coding change: c.956C>T on transcript NM_006182.4 (MANE Select); coding-DNA position 956, C replaced by T.
Protein change: p.Ser319Phe; replaces serine 319 with phenylalanine.
Molecular consequence: missense variant.
Genome position (GRCh38, 1-based): chr1:162,761,311, C>T. VCF-style: chr1-162761311-C-T. GRCh37 (hg19) VCF-style: chr1-162731101-C-T.
Other names: c.956C>T, p.Ser319Phe (NM_001014796.3, NM_001354982.2, NM_001354983.2); short protein forms S319F.
Identifiers: ClinVar variation 1981376 (VCV001981376.4), dbSNP rs761991484, ClinGen allele CA1217384.